The following is an entry in ClinVar:

ClinVar aggregate classification (germline): Conflicting classifications of pathogenicity. Review status: criteria provided, conflicting classifications (1 of 4 stars). 6 submissions from 6 submitters: Uncertain significance (1); Likely benign (5). Last evaluated 2026-07-20.

Conditions:
TSC2-related disorder. Also called: TSC2-Related Disorders; TSC2-related condition.
Hereditary cancer-predisposing syndrome. Also called: Hereditary Cancer Syndrome; Neoplastic Syndromes, Hereditary; Tumor predisposition; Hereditary neoplastic syndrome. Identifiers: Orphanet 140162, MedGen C0027672, MeSH D009386, MONDO:0015356.
Tuberous sclerosis syndrome (TSC). Also called: Tuberous sclerosis; Tuberous Sclerosis Complex. Identifiers: Orphanet 805, MedGen C0041341, MONDO:0001734.
Tuberous sclerosis 2 (TSC2). Identifiers: Orphanet 805, MedGen C1860707, MONDO:0013199, OMIM 613254.

Allele frequency attached by ClinVar (database versions not stated): gnomAD exomes 0.00001 and 0.00002; TOPMed 0.00002; ExAC 0.00003.
gnomAD v4.1: 18 of 1,613,474 alleles (0.0011%); highest among the groups gnomAD compares: Admixed American, 0.0033%; no homozygotes.

Submissions (6):

PreventionGenetics, part of Exact Sciences
Classification: Likely benign for TSC2-related condition. Last evaluated: 2026-07-20. Review status: criteria provided, single submitter. Criteria: ACMG Guidelines, 2015. Collection method: clinical testing. Allele origin: germline.
Comment: This variant is classified as likely benign based on ACMG/AMP sequence variant interpretation guidelines (Richards et al. 2015 PMID: 25741868, with internal and published modifications).

Labcorp Genetics (formerly Invitae), Labcorp
Classification: Likely benign for Tuberous sclerosis 2. Last evaluated: 2026-01-26. Review status: criteria provided, single submitter. Criteria: Invitae Variant Classification Sherloc (09022015). Collection method: clinical testing. Allele origin: germline.

Color Diagnostics, LLC DBA Color Health
Classification: Uncertain significance for Tuberous sclerosis syndrome. Last evaluated: 2024-03-06. Review status: criteria provided, single submitter. Criteria: ACMG Guidelines, 2015. Collection method: clinical testing. Allele origin: germline.
Comment: This missense variant replaces arginine with glutamine at codon 639 of the TSC2 protein. Computational prediction is inconclusive regarding the impact of this variant on protein structure and function. To our knowledge, functional studies have not been reported for this variant. This variant has not been reported in individuals affected with TSC2-related disorders in the literature. This variant has been identified in 6/250422 chromosomes in the general population by the Genome Aggregation Database (gnomAD). The available evidence is insufficient to determine the role of this variant in disease conclusively. Therefore, this variant is classified as a Variant of Uncertain Significance.

Genome-Nilou Lab
Classification: Likely benign for Tuberous sclerosis 2. Last evaluated: 2021-11-07. Review status: criteria provided, single submitter. Criteria: ACMG Guidelines, 2015. Collection method: clinical testing. Allele origin: germline. Affected: no.

Ambry Genetics
Classification: Likely benign for Hereditary cancer-predisposing syndrome. Last evaluated: 2021-06-18. Review status: criteria provided, single submitter. Criteria: Ambry Variant Classification Scheme 2023. Collection method: clinical testing. Allele origin: germline.

GeneDx
Classification: Likely benign. Last evaluated: 2020-11-27. Review status: criteria provided, single submitter. Criteria: GeneDx Variant Classification Process June 2021. Collection method: clinical testing. Allele origin: germline. Affected: yes.

NM_000548.5(TSC2):c.1916G>A (p.Arg639Gln)

Gene: TSC2 (TSC complex subunit 2; plus strand). Cytogenetic location: 16p13.3.
Variant type: single nucleotide variant.
Coding change: c.1916G>A on transcript NM_000548.5 (MANE Select); coding-DNA position 1916, G replaced by A.
Protein change: p.Arg639Gln; replaces arginine 639 with glutamine.
Molecular consequence: missense variant.
Genome position (GRCh38, 1-based): chr16:2,071,586, G>A. VCF-style: chr16-2071586-G-A. GRCh37 (hg19) VCF-style: chr16-2121587-G-A.
Other names: p.R639Q:CGG>CAG; c.1916G>A, p.Arg639Gln (NM_001077183.3, NM_001114382.3, NM_001363528.2 and 3 more transcripts); c.1805G>A, p.Arg602Gln (NM_001318827.2); c.1769G>A, p.Arg590Gln (NM_001318829.2); c.1316G>A, p.Arg439Gln (NM_001318831.2); c.1949G>A, p.Arg650Gln (NM_001318832.2); c.1916G>A (NM_000548.4); short protein forms R639Q, R590Q, R602Q, R439Q, R650Q.
Identifiers: ClinVar variation 207724 (VCV000207724.23), dbSNP rs753932484, ClinGen allele CA034463.